The following is an entry in ClinVar:

ClinVar aggregate classification (germline): Uncertain significance (1 of 4 stars; one submission).

Conditions:
Developmental and epileptic encephalopathy, 54. Also called: Epileptic encephalopathy, early infantile, 54; HNRNPU-Related Neurodevelopmental Disorder. Identifiers: MedGen C4479319, MONDO:0033363, OMIM 617391.

Submission:

Baylor Genetics
Classification: Uncertain significance for Developmental and epileptic encephalopathy, 54. Last evaluated: 2020-08-20. Review status: criteria provided, single submitter. Criteria: ACMG Guidelines, 2015. Collection method: clinical testing. Allele origin: unknown. Affected: yes.
Comment: This variant was determined to be of uncertain significance according to ACMG Guidelines, 2015 [PMID:25741868].

NM_031844.3(HNRNPU):c.1421C>A (p.Thr474Asn)

Gene: HNRNPU (heterogeneous nuclear ribonucleoprotein U; minus strand). Cytogenetic location: 1q44.
Variant type: single nucleotide variant.
Coding change: c.1421C>A on transcript NM_031844.3 (MANE Select); coding-DNA position 1421, C replaced by A.
Protein change: p.Thr474Asn; replaces threonine 474 with asparagine.
Molecular consequence: missense variant.
Genome position (GRCh38, 1-based): chr1:244,858,084, G>T on the plus strand (C>A on the coding strand, the complement: HNRNPU is on the minus strand). VCF-style: chr1-244858084-G-T. GRCh37 (hg19) VCF-style: chr1-245021386-G-T.
Other names: c.1364C>A, p.Thr455Asn (NM_004501.3); short protein forms T474N, T455N.
Identifiers: ClinVar variation 1028769 (VCV001028769.1), dbSNP rs771909772, ClinGen allele CA345491666.